The following is an entry in ClinVar:

ClinVar aggregate classification (germline): Uncertain significance (1 of 4 stars; one submission).

Conditions:
Bloom syndrome (BLM). Also called: Bloom-Torre-Machacek syndrome. Identifiers: Orphanet 125, MedGen C0005859, MONDO:0008876, OMIM 210900.

Submission:

Labcorp Genetics (formerly Invitae), Labcorp
Classification: Uncertain significance for Bloom syndrome. Last evaluated: 2023-06-16. Review status: criteria provided, single submitter. Criteria: Invitae Variant Classification Sherloc (09022015). Collection method: clinical testing. Allele origin: germline.
Comment: This variant has not been reported in the literature in individuals affected with BLM-related conditions. This variant is not present in population databases (gnomAD no frequency). Advanced modeling of protein sequence and biophysical properties (such as structural, functional, and spatial information, amino acid conservation, physicochemical variation, residue mobility, and thermodynamic stability) performed at Invitae indicates that this missense variant is not expected to disrupt BLM protein function. In summary, the available evidence is currently insufficient to determine the role of this variant in disease. Therefore, it has been classified as a Variant of Uncertain Significance. This sequence change replaces isoleucine, which is neutral and non-polar, with leucine, which is neutral and non-polar, at codon 760 of the BLM protein (p.Ile760Leu).

NM_000057.4(BLM):c.2278A>T (p.Ile760Leu)

Gene: BLM (BLM RecQ like helicase; plus strand). Cytogenetic location: 15q26.1.
Variant type: single nucleotide variant.
Coding change: c.2278A>T on transcript NM_000057.4 (MANE Select); coding-DNA position 2278, A replaced by T.
Protein change: p.Ile760Leu; replaces isoleucine 760 with leucine.
Molecular consequence: missense variant.
Genome position (GRCh38, 1-based): chr15:90,766,994, A>T. VCF-style: chr15-90766994-A-T. GRCh37 (hg19) VCF-style: chr15-91310224-A-T.
Other names: c.2278A>T, p.Ile760Leu (NM_001287246.2, NM_001287247.2); c.1153A>T, p.Ile385Leu (NM_001287248.2); short protein forms I385L, I760L.
Identifiers: ClinVar variation 2714588 (VCV002714588.3), dbSNP rs1896150112, ClinGen allele CA393844946.